The following is an entry in ClinVar:

NM_001369268.1(ACAN):c.1772T>G (p.Phe591Cys)

Gene: ACAN (aggrecan; plus strand). Cytogenetic location: 15q26.1.
Variant type: single nucleotide variant.
Coding change: c.1772T>G on transcript NM_001369268.1 (MANE Select); coding-DNA position 1772, T replaced by G.
Protein change: p.Phe591Cys; replaces phenylalanine 591 with cysteine.
Molecular consequence: missense variant.
Genome position (GRCh38, 1-based): chr15:88,849,477, T>G. VCF-style: chr15-88849477-T-G. GRCh37 (hg19) VCF-style: chr15-89392708-T-G.
Other names: c.1772T>G, p.Phe591Cys (NM_001135.4, NM_001411096.1, NM_001411097.1 and 1 more transcripts); short protein forms F591C.
Identifiers: ClinVar variation 5009889 (VCV005009889.1).

ClinVar aggregate classification (germline): Uncertain significance (1 of 4 stars; one submission).

Submission:

GeneDx
Classification: Uncertain significance. Last evaluated: 2026-03-02. Review status: criteria provided, single submitter. Criteria: GeneDx Variant Classification Process June 2021. Collection method: clinical testing. Allele origin: germline.
Comment: Not observed at significant frequency in large population cohorts (gnomAD); In silico analysis supports that this missense variant has a deleterious effect on protein structure/function; Has not been previously published as pathogenic or benign to our knowledge